The following is an entry in ClinVar:

ClinVar aggregate classification (germline): Uncertain significance. Review status: criteria provided, multiple submitters, no conflicts (2 of 4 stars). 5 submissions from 5 submitters: Uncertain significance (4). 1 of the submissions does not count toward it. Last evaluated 2024-02-22.

Conditions:
PCNT-related disorder. Also called: PCNT-related condition.
Microcephalic osteodysplastic primordial dwarfism type II (MOPD2). Also called: MOPD II; OSTEODYSPLASTIC PRIMORDIAL DWARFISM, TYPE II; Microcephalic osteodysplastic primordial dwarfism with tooth abnormalities. Identifiers: Orphanet 2637, MedGen C0432246, MONDO:0008872, OMIM 210720.

Allele frequency attached by ClinVar (database versions not stated): gnomAD 0.00052 and 0.00056; 1000 Genomes Project 0.00060; TOPMed 0.00063; 1000 Genomes Project 30x 0.00078; gnomAD exomes 0.00005 and 0.00012; ExAC 0.00015; ESP Exome Variant Server 0.00046.
gnomAD v4.1: 151 of 1,614,006 alleles (0.0094%); highest among the groups gnomAD compares: African/African-American, 0.17%; no homozygotes.

Submissions (5):

Fulgent Genetics
Classification: Uncertain significance for Microcephalic osteodysplastic primordial dwarfism type II. Last evaluated: 2024-02-22. Review status: criteria provided, single submitter. Criteria: ACMG Guidelines, 2015. Collection method: clinical testing. Allele origin: germline.

Labcorp Genetics (formerly Invitae), Labcorp
Classification: Uncertain significance. Last evaluated: 2022-08-22. Review status: criteria provided, single submitter. Criteria: Invitae Variant Classification Sherloc (09022015). Collection method: clinical testing. Allele origin: germline.
Comment: This sequence change replaces aspartic acid, which is acidic and polar, with asparagine, which is neutral and polar, at codon 956 of the PCNT protein (p.Asp956Asn). This variant is present in population databases (rs146728385, gnomAD 0.2%). This variant has not been reported in the literature in individuals affected with PCNT-related conditions. ClinVar contains an entry for this variant (Variation ID: 211851). Algorithms developed to predict the effect of missense changes on protein structure and function are either unavailable or do not agree on the potential impact of this missense change (SIFT: "Deleterious"; PolyPhen-2: "Possibly Damaging"; Align-GVGD: "Class C0"). In summary, the available evidence is currently insufficient to determine the role of this variant in disease. Therefore, it has been classified as a Variant of Uncertain Significance.

Genetic Services Laboratory, University of Chicago
Classification: Uncertain significance. Last evaluated: 2015-03-24. Review status: criteria provided, single submitter. Criteria: ACMG Guidelines, 2015. Collection method: clinical testing. Allele origin: germline.

Breakthrough Genomics
Classification: Uncertain significance. Review status: criteria provided, single submitter. Criteria: ACMG Guidelines, 2015. Collection method: not provided. Allele origin: germline. Inheritance: Autosomal dominant inheritance. Affected: yes.

PreventionGenetics, part of Exact Sciences
Classification: Likely benign for PCNT-related condition. Last evaluated: 2021-10-04. Review status: no assertion criteria provided. Collection method: clinical testing. Allele origin: germline. Not counted in ClinVar's aggregate classification.
Comment: This variant is classified as likely benign based on ACMG/AMP sequence variant interpretation guidelines (Richards et al. 2015 PMID: 25741868, with internal and published modifications).

NM_006031.6(PCNT):c.2866G>A (p.Asp956Asn)

Gene: PCNT (pericentrin; plus strand). Cytogenetic location: 21q22.3.
Variant type: single nucleotide variant.
Coding change: c.2866G>A on transcript NM_006031.6 (MANE Select); coding-DNA position 2866, G replaced by A.
Protein change: p.Asp956Asn; replaces aspartic acid 956 with asparagine.
Molecular consequence: missense variant.
Genome position (GRCh38, 1-based): chr21:46,366,840, G>A. VCF-style: chr21-46366840-G-A. GRCh37 (hg19) VCF-style: chr21-47786755-G-A.
Other names: c.2512G>A, p.Asp838Asn (NM_001315529.2); short protein forms D956N, D838N.
Identifiers: ClinVar variation 211851 (VCV000211851.11), dbSNP rs146728385, ClinGen allele CA209949.
Genomic context (GRCh38, chr21:46,366,840, plus strand): 5'-AGCAAGCAGGGGGCTCTGCTGGCTGCACGTGTGGCCGAACTGCAGACAAAACACGCTGCC[G>A]ACCTCGGCGCTCTGGAGACCAGACATCTGTCCAGCCTTGATTCTTTGGAATCCTGTTACC-3'
Protein context (NP_006022.3, residues 946-966): VAELQTKHAA[Asp956Asn]LGALETRHLS